The following is an entry in ClinVar:

ClinVar aggregate classification (germline): Benign (1 of 4 stars; one submission).

Conditions:
Lynch syndrome 5 (LYNCH5). Also called: Colorectal cancer, hereditary nonpolyposis, type 5; Hereditary non-polyposis colorectal cancer, type 5. Identifiers: Orphanet 144, MedGen C1833477, MONDO:0013710, OMIM 614350. Disease mechanism: loss of function.

Submission:

Myriad Genetics, Inc.
Classification: Benign for Lynch syndrome 5. Last evaluated: 2024-12-17. Review status: criteria provided, single submitter. Criteria: Myriad Autosomal Dominant, Autosomal Recessive and X-Linked Classification Criteria (2023). Collection method: clinical testing. Allele origin: unknown.
Comment: This variant is considered benign. This variant is a silent/synonymous amino acid change and it is not expected to impact splicing.

NM_000179.3(MSH6):c.222A>C (p.Gly74=)

Gene: MSH6 (mutS homolog 6; plus strand). Cytogenetic location: 2p16.3.
Variant type: single nucleotide variant.
Coding change: c.222A>C on transcript NM_000179.3 (MANE Select); coding-DNA position 222, A replaced by C.
Protein change: p.Gly74=; no amino-acid change (glycine 74 retained).
Molecular consequence: synonymous variant. On other transcripts: 5 prime UTR variant (7), missense variant (1), non-coding transcript variant (5), intron variant (5).
Genome position (GRCh38, 1-based): chr2:47,783,455, A>C. VCF-style: chr2-47783455-A-C. GRCh37 (hg19) VCF-style: chr2-48010594-A-C.
Other names: c.222A>C, p.Gly74= (NM_001281492.2, NM_001406795.1, NM_001406796.1 and 9 more transcripts); c.-515A>C (NM_001281493.2, NM_001406811.1); c.-107A>C (NM_001406799.1); c.167A>C, p.Glu56Ala (NM_001406804.1); c.-707A>C (NM_001406807.1); c.-362A>C (NM_001406812.1); c.-773A>C (NM_001406814.1); c.-318A>C (NM_001406816.1); and 3 more; short protein forms E56A.
Identifiers: ClinVar variation 3904251 (VCV003904251.1).